The following is an entry in ClinVar:

NM_012120.3(CD2AP):c.319+156A>G

Gene: CD2AP (CD2 associated protein; plus strand). Cytogenetic location: 6p12.3.
Variant type: single nucleotide variant.
Coding change: c.319+156A>G on transcript NM_012120.3 (MANE Select); 156 bases into the intron after coding-DNA position 319, A replaced by G.
Molecular consequence: intron variant.
Genome position (GRCh38, 1-based): chr6:47,533,911, A>G. VCF-style: chr6-47533911-A-G. GRCh37 (hg19) VCF-style: chr6-47501647-A-G.
Identifiers: ClinVar variation 1683791 (VCV001683791.2), dbSNP rs149512334, ClinGen allele CA137914308.

ClinVar aggregate classification (germline): Likely benign (1 of 4 stars; one submission).

Allele frequency attached by ClinVar (database versions not stated): 1000 Genomes Project 0.00319; 1000 Genomes Project 30x 0.00359; gnomAD 0.00448 and 0.00474; TOPMed 0.00502.
gnomAD v4.1: 678 of 152,350 alleles (0.45%); highest among the groups gnomAD compares: African/African-American, 1.5%; 5 homozygotes.

Submission:

GeneDx
Classification: Likely benign. Last evaluated: 2021-10-27. Review status: criteria provided, single submitter. Criteria: GeneDx Variant Classification Process June 2021. Collection method: clinical testing. Allele origin: germline. Affected: yes.
Comment: See Variant Classification Assertion Criteria.